The following is an entry in ClinVar:

ClinVar aggregate classification (germline): Conflicting classifications of pathogenicity. Review status: criteria provided, conflicting classifications (1 of 4 stars). 4 submissions from 4 submitters: Uncertain significance (1); Likely benign (2). 1 of the submissions does not count toward it. Last evaluated 2025-05-25.

Conditions:
NPHP4-related disorder. Also called: NPHP4-related disorders; NPHP4-related condition. Identifiers: MedGen CN239384.
Nephronophthisis. Also called: Juvenile Nephronophthisis. Identifiers: Orphanet 655, MedGen C0687120, MONDO:0019005, HP:0000090.

Allele frequency attached by ClinVar (database versions not stated): gnomAD 0.00001; gnomAD exomes 0.00001; TOPMed 0.00002.
gnomAD v4.1: 22 of 1,613,558 alleles (0.0014%); highest among the groups gnomAD compares: Non-Finnish European, 0.0017%; no homozygotes.

Submissions (4):

Labcorp Genetics (formerly Invitae), Labcorp
Classification: Likely benign for Nephronophthisis. Last evaluated: 2025-05-25. Review status: criteria provided, single submitter. Criteria: Invitae Variant Classification Sherloc (09022015). Collection method: clinical testing. Allele origin: germline.

Blueprint Genetics
Classification: Likely benign. Last evaluated: 2022-09-14. Review status: criteria provided, single submitter. Criteria: ACMG Guidelines, 2015. Collection method: clinical testing. Allele origin: germline.

Eurofins Ntd Llc (ga)
Classification: Uncertain significance. Last evaluated: 2018-07-13. Review status: criteria provided, single submitter. Criteria: EGL ClinVar v180209 classification definitions. Collection method: clinical testing. Allele origin: germline. Observed: 1 variant allele, 1 heterozygote.

PreventionGenetics, part of Exact Sciences
Classification: Likely benign for NPHP4-related condition. Last evaluated: 2021-09-27. Review status: no assertion criteria provided. Collection method: clinical testing. Allele origin: germline. Not counted in ClinVar's aggregate classification.
Comment: This variant is classified as likely benign based on ACMG/AMP sequence variant interpretation guidelines (Richards et al. 2015 PMID: 25741868, with internal and published modifications).

NM_015102.5(NPHP4):c.3234C>G (p.Ala1078=)

Gene: NPHP4 (nephrocystin 4; minus strand). Cytogenetic location: 1p36.31.
Variant type: single nucleotide variant.
Coding change: c.3234C>G on transcript NM_015102.5 (MANE Select); coding-DNA position 3234, C replaced by G.
Protein change: p.Ala1078=; no amino-acid change (alanine 1078 retained).
Molecular consequence: synonymous variant. On other transcripts: non-coding transcript variant (1).
Genome position (GRCh38, 1-based): chr1:5,873,333, G>C on the plus strand (C>G on the coding strand, the complement: NPHP4 is on the minus strand). VCF-style: chr1-5873333-G-C. GRCh37 (hg19) VCF-style: chr1-5933393-G-C.
Other names: c.1695C>G, p.Ala565= (NM_001291593.2); c.1698C>G, p.Ala566= (NM_001291594.2); c.3234C>G (NM_015102.4).
Identifiers: ClinVar variation 597922 (VCV000597922.16), dbSNP rs1036816659, ClinGen allele CA17134774.